The following is an entry in ClinVar:

ClinVar aggregate classification (germline): Uncertain significance. Review status: criteria provided, multiple submitters, no conflicts (2 of 4 stars). 6 submissions from 6 submitters: Uncertain significance (6). Last evaluated 2024-08-13.

Conditions:
Classic or attenuated familial adenomatous polyposis. Identifiers: MedGen CN372698, MONDO:0021057.
Hereditary cancer-predisposing syndrome. Also called: Neoplastic Syndromes, Hereditary; Hereditary neoplastic syndrome; Tumor predisposition; Hereditary Cancer Syndrome. Identifiers: Orphanet 140162, MedGen C0027672, MeSH D009386, MONDO:0015356.
Familial adenomatous polyposis 1 (FAP1). Also called: POLYPOSIS, ADENOMATOUS INTESTINAL; FAMILIAL ADENOMATOUS POLYPOSIS 1, ATTENUATED. Identifiers: MedGen C2713442, MONDO:0021056, OMIM 175100. Disease mechanism: loss of function.

Submissions (6):

All of Us Research Program, National Institutes of Health
Classification: Uncertain significance for Classic or attenuated familial adenomatous polyposis. Last evaluated: 2024-08-13. Review status: criteria provided, single submitter. Criteria: ACMG Guidelines, 2015. Collection method: clinical testing. Allele origin: germline. Inheritance: Autosomal dominant inheritance. Observed: 1 variant allele, 1 heterozygote.
Comment: This missense variant replaces glutamine with glutamic acid at codon 2600 of the APC protein. Computational prediction suggests that this variant may not impact protein structure and function (internally defined REVEL score threshold <= 0.5, PMID: 27666373). To our knowledge, functional studies have not been reported for this variant. This variant has not been reported in individuals affected with APC-related disorders in the literature. This variant has not been identified in the general population by the Genome Aggregation Database (gnomAD). The available evidence is insufficient to determine the role of this variant in disease conclusively. Therefore, this variant is classified as a Variant of Uncertain Significance.

This study involves interpretation of variants in research participants for the purpose of population health screening. Participant phenotype was not available at the time of variant classification. Additional details can be found in publication PMID: 35346344, PMCID: PMC8962531

Color Diagnostics, LLC DBA Color Health
Classification: Uncertain significance for Hereditary cancer-predisposing syndrome. Last evaluated: 2024-07-23. Review status: criteria provided, single submitter. Criteria: ACMG Guidelines, 2015. Collection method: clinical testing. Allele origin: germline.
Comment: This missense variant replaces glutamine with glutamic acid at codon 2600 of the APC protein. Computational prediction suggests that this variant may not impact protein structure and function (internally defined REVEL score threshold <= 0.5, PMID: 27666373). To our knowledge, functional studies have not been reported for this variant. This variant has not been reported in individuals affected with APC-related disorders in the literature. This variant has not been identified in the general population by the Genome Aggregation Database (gnomAD). The available evidence is insufficient to determine the role of this variant in disease conclusively. Therefore, this variant is classified as a Variant of Uncertain Significance.

Labcorp Genetics (formerly Invitae), Labcorp
Classification: Uncertain significance for Familial adenomatous polyposis 1. Last evaluated: 2024-07-03. Review status: criteria provided, single submitter. Criteria: Invitae Variant Classification Sherloc (09022015). Collection method: clinical testing. Allele origin: germline.
Comment: This sequence change replaces glutamine, which is neutral and polar, with glutamic acid, which is acidic and polar, at codon 2600 of the APC protein (p.Gln2600Glu). This variant is not present in population databases (gnomAD no frequency). This variant has not been reported in the literature in individuals affected with APC-related conditions. ClinVar contains an entry for this variant (Variation ID: 859980). Advanced modeling of protein sequence and biophysical properties (such as structural, functional, and spatial information, amino acid conservation, physicochemical variation, residue mobility, and thermodynamic stability) performed at Invitae indicates that this missense variant is not expected to disrupt APC protein function with a negative predictive value of 95%. In summary, the available evidence is currently insufficient to determine the role of this variant in disease. Therefore, it has been classified as a Variant of Uncertain Significance.

Ambry Genetics
Classification: Uncertain significance for Hereditary cancer-predisposing syndrome. Last evaluated: 2023-12-18. Review status: criteria provided, single submitter. Criteria: Ambry Variant Classification Scheme 2023. Collection method: clinical testing. Allele origin: germline.
Comment: The p.Q2600E variant (also known as c.7798C>G), located in coding exon 15 of the APC gene, results from a C to G substitution at nucleotide position 7798. The glutamine at codon 2600 is replaced by glutamic acid, an amino acid with highly similar properties. This amino acid position is not well conserved in available vertebrate species. In addition, in silico predictors for this gene do not accurately predict pathogenicity. Since supporting evidence is limited at this time, the clinical significance of this alteration remains unclear.

Quest Diagnostics Nichols Institute San Juan Capistrano
Classification: Uncertain significance. Last evaluated: 2023-11-21. Review status: criteria provided, single submitter. Criteria: Quest Diagnostics criteria. Collection method: clinical testing. Allele origin: unknown.
Comment: The APC c.7798C>G (p.Gln2600Glu) variant has not been reported in individuals with APC-related conditions in the published literature. It also has not been reported in large, multi-ethnic general populations (Genome Aggregation Database). Analysis of this variant using bioinformatics tools for the prediction of the effect of amino acid changes on protein structure and function yielded predictions that this variant is benign. Based on the available information, we are unable to determine the clinical significance of this variant.

GeneDx
Classification: Uncertain significance. Last evaluated: 2023-04-27. Review status: criteria provided, single submitter. Criteria: GeneDx Variant Classification Process June 2021. Collection method: clinical testing. Allele origin: germline.
Comment: Not observed at significant frequency in large population cohorts (gnomAD); In silico analysis supports that this missense variant does not alter protein structure/function; Has not been previously published as pathogenic or benign to our knowledge; This variant is associated with the following publications: (PMID: 18199528)

NM_000038.6(APC):c.7798C>G (p.Gln2600Glu)

Gene: APC (APC regulator of Wnt signaling pathway; plus strand). Cytogenetic location: 5q22.2.
Variant type: single nucleotide variant.
Coding change: c.7798C>G on transcript NM_000038.6 (MANE Select); coding-DNA position 7798, C replaced by G.
Protein change: p.Gln2600Glu; replaces glutamine 2600 with glutamic acid.
Molecular consequence: missense variant.
Genome position (GRCh38, 1-based): chr5:112,843,392, C>G. VCF-style: chr5-112843392-C-G. GRCh37 (hg19) VCF-style: chr5-112179089-C-G.
Other names: c.7798C>G, p.Gln2600Glu (NM_001127510.3, NM_001354895.2); c.7744C>G, p.Gln2582Glu (NM_001127511.3); c.7852C>G, p.Gln2618Glu (NM_001354896.2); c.7828C>G, p.Gln2610Glu (NM_001354897.2); c.7723C>G, p.Gln2575Glu (NM_001354898.2); c.7714C>G, p.Gln2572Glu (NM_001354899.2); c.7675C>G, p.Gln2559Glu (NM_001354900.2); c.7621C>G, p.Gln2541Glu (NM_001354901.2); and 5 more; short protein forms Q2575E, Q2582E, Q2618E, Q2541E, Q2559E, Q2572E, Q2317E, Q2440E.
Identifiers: ClinVar variation 859980 (VCV000859980.15), dbSNP rs1766569773, ClinGen allele CA16038267.
Genomic context (GRCh38, chr5:112,843,392, plus strand): 5'-TCCAGTGAAAAAGCAAAAAGTGAGGATGAAAAACATGTGAACTCTATTTCAGGAACCAAA[C>G]AAAGTAAAGAAAACCAAGTATCCGCAAAAGGAACATGGAGAAAAATAAAAGAAAATGAAT-3'
Protein context (NP_000029.2, residues 2590-2610): KHVNSISGTK[Gln2600Glu]SKENQVSAKG